The following is an entry in ClinVar:

NM_002691.4(POLD1):c.326A>T (p.Gln109Leu)

Gene: POLD1 (DNA polymerase delta 1, catalytic subunit; plus strand). Cytogenetic location: 19q13.33.
Variant type: single nucleotide variant.
Coding change: c.326A>T on transcript NM_002691.4 (MANE Select); coding-DNA position 326, A replaced by T.
Protein change: p.Gln109Leu; replaces glutamine 109 with leucine.
Molecular consequence: missense variant. On other transcripts: non-coding transcript variant (1).
Genome position (GRCh38, 1-based): chr19:50,401,787, A>T. VCF-style: chr19-50401787-A-T. GRCh37 (hg19) VCF-style: chr19-50905044-A-T.
Other names: c.326A>T, p.Gln109Leu (NM_001256849.1, NM_001308632.1); short protein forms Q109L.
Identifiers: ClinVar variation 1692708 (VCV001692708.1), dbSNP rs1601198162, ClinGen allele CA406972079.
Genomic context (GRCh38, chr19:50,401,787, plus strand): 5'-CTTGGAGGACCCTGAGAGGCATGGCCGCTGTCTTACCCTGTGACCCCACAGGCCCAGCGC[A>T]GCCTGTGCCTGGGGGGCCCCCACCATCCCGCGGCTCCGTGCCTGTGCTCCGCGCCTTCGG-3'
Protein context (NP_002682.2, residues 99-119): LEIDHYVGPA[Gln109Leu]PVPGGPPPSR

ClinVar aggregate classification (germline): Uncertain significance (1 of 4 stars; one submission).

Conditions:
Hereditary cancer-predisposing syndrome. Also called: Hereditary Cancer Syndrome; Hereditary neoplastic syndrome; Neoplastic Syndromes, Hereditary; Tumor predisposition. Identifiers: Orphanet 140162, MedGen C0027672, MeSH D009386, MONDO:0015356.

Submission:

Sema4
Classification: Uncertain significance for Hereditary cancer-predisposing syndrome. Last evaluated: 2021-05-18. Review status: criteria provided, single submitter. Criteria: Sema4 Curation Guidelines. Collection method: curation. Allele origin: germline.
Comment: The POLD1 c.326A>T (p.Q109L) variant has not been reported in the literature to our knowledge. This variant has not been observed in the large and broad cohorts in the Genome Aggregation Database (PMID: 32461654). This variant has not been reported in ClinVar. In silico tools suggest the impact of the variant on protein function is benign, though these predictions have not been confirmed by functional studies. The overall evidence is insufficient to meet ACMG/AMP criteria for classifying it as benign or pathogenic. In summary, the clinical significance of this variant is currently uncertain.